The following is an entry in ClinVar:

NM_005121.3(MED13):c.1767A>G (p.Gln589=)

Gene: MED13 (mediator complex subunit 13; minus strand). Cytogenetic location: 17q23.2.
Variant type: single nucleotide variant.
Coding change: c.1767A>G on transcript NM_005121.3 (MANE Select); coding-DNA position 1767, A replaced by G.
Protein change: p.Gln589=; no amino-acid change (glutamine 589 retained).
Molecular consequence: synonymous variant.
Genome position (GRCh38, 1-based): chr17:62,010,750, T>C on the plus strand (A>G on the coding strand, the complement: MED13 is on the minus strand). VCF-style: chr17-62010750-T-C. GRCh37 (hg19) VCF-style: chr17-60088111-T-C.
Other names: NC_000017.10:g.60088111T>C.
Identifiers: ClinVar variation 746732 (VCV000746732.27), dbSNP rs1048468, ClinGen allele CA8692983.
Genomic context (GRCh38, chr17:62,010,750, plus strand): 5'-ATCTTCTTCCAAGTTTACTGCTGTACCAACATATACTGTAGGTTCTACAGCTTCCTGATA[T>C]TGAGGTGGGAAAGACTGGGACAAACTGTCTATCCTATCTTCCATTGGTTTAGAAGGAACC-3'
Protein context (NP_005112.2, residues 579-599): IDSLSQSFPP[Gln589=]YQEAVEPTVY

ClinVar aggregate classification (germline): Benign/Likely benign. Review status: criteria provided, multiple submitters, no conflicts (2 of 4 stars). 3 submissions from 3 submitters: Benign (2); Likely benign (1). Last evaluated 2025-10-01.

Allele frequency attached by ClinVar (database versions not stated): gnomAD exomes 0.00017 and 0.00047; ExAC 0.00058; gnomAD 0.00189 and 0.00197; ESP Exome Variant Server 0.00218; TOPMed 0.00221; 1000 Genomes Project 0.00339; 1000 Genomes Project 30x 0.00375.
gnomAD v4.1: 549 of 1,613,998 alleles (0.034%); highest among the groups gnomAD compares: African/African-American, 0.6%; 1 homozygote.

Submissions (5):

CeGaT Center for Human Genetics Tuebingen
Classification: Likely benign. Last evaluated: 2025-10-01. Review status: criteria provided, single submitter. Criteria: CeGaT Center For Human Genetics Tuebingen Variant Classification Criteria Version 2. Collection method: clinical testing. Allele origin: germline. Affected: yes. Observed: 3 variant alleles.
Comment: MED13: BP4, BP7

Labcorp Genetics (formerly Invitae), Labcorp
Classification: Benign. Last evaluated: 2017-12-13. Review status: criteria provided, single submitter. Criteria: Invitae Variant Classification Sherloc (09022015). Collection method: clinical testing. Allele origin: germline.

Breakthrough Genomics
Classification: Benign. Review status: criteria provided, single submitter. Criteria: ACMG Guidelines, 2015. Collection method: not provided. Allele origin: germline. Inheritance: Autosomal dominant inheritance. Affected: yes.

Dr. Peter K. Rogan Lab, Western University
No classification provided (evidence only). Condition: Uterine corpus endometrial carcinoma. Review status: no classification provided. Collection method: in vitro. Allele origin: not applicable. Functional consequence: retained intron. Not counted in ClinVar's aggregate classification.

Dr. Peter K. Rogan Lab, Western University
No classification provided (evidence only). Condition: Thymoma. Review status: no classification provided. Collection method: in vitro. Allele origin: not applicable. Functional consequence: retained intron. Not counted in ClinVar's aggregate classification.